The following is an entry in ClinVar:

ClinVar aggregate classification (germline): Uncertain significance (1 of 4 stars; one submission).

Conditions:
Aortic valve disease 2 (AOVD2). Identifiers: MedGen C3542024, MONDO:0013902, OMIM 614823.

gnomAD v4.1: 3 of 1,608,464 alleles (0.00019%); highest among the groups gnomAD compares: Admixed American, 0.0017%; no homozygotes.

Submission:

Labcorp Genetics (formerly Invitae), Labcorp
Classification: Uncertain significance for Aortic valve disease 2. Last evaluated: 2024-02-18. Review status: criteria provided, single submitter. Criteria: Invitae Variant Classification Sherloc (09022015). Collection method: clinical testing. Allele origin: germline.
Comment: This sequence change creates a premature translational stop signal (p.Trp401*) in the SMAD6 gene. While this is not anticipated to result in nonsense mediated decay, it is expected to disrupt the last 96 amino acid(s) of the SMAD6 protein. This variant is not present in population databases (gnomAD no frequency). This variant has not been reported in the literature in individuals affected with SMAD6-related conditions. Experimental studies and prediction algorithms are not available or were not evaluated, and the functional significance of this variant is currently unknown. In summary, the available evidence is currently insufficient to determine the role of this variant in disease. Therefore, it has been classified as a Variant of Uncertain Significance.

NM_005585.5(SMAD6):c.1203G>A (p.Trp401Ter)

Gene: SMAD6 (SMAD family member 6; plus strand). Cytogenetic location: 15q22.31.
Variant type: single nucleotide variant.
Coding change: c.1203G>A on transcript NM_005585.5 (MANE Select); coding-DNA position 1203, G replaced by A.
Protein change: p.Trp401Ter; replaces tryptophan 401 with a stop codon.
Molecular consequence: nonsense. On other transcripts: non-coding transcript variant (1).
Genome position (GRCh38, 1-based): chr15:66,781,247, G>A. VCF-style: chr15-66781247-G-A. GRCh37 (hg19) VCF-style: chr15-67073585-G-A.
Other names: short protein forms W401*.
Identifiers: ClinVar variation 3609728 (VCV003609728.2).
Genomic context (GRCh38, chr15:66,781,247, plus strand): 5'-GCGAACGCGCAGCAAGATCGGCTTCGGCATCCTGCTCAGCAAGGAGCCCGACGGCGTGTG[G>A]GCCTACAACCGCGGCGAGCACCCCATCTTCGTCAACTCCCCGACGCTGGACGCGCCCGGC-3'